The following is an entry in ClinVar:

ClinVar aggregate classification (germline): Uncertain significance (1 of 4 stars; one submission).

Conditions:
Nephronophthisis 9 (NPHP9). Identifiers: Orphanet 655, MedGen C3151188, MONDO:0013444, OMIM 613824.

Allele frequency attached by ClinVar (database versions not stated): TOPMed 0.00001; ExAC 0.00002; gnomAD 0.00001; gnomAD exomes 0.00001.
gnomAD v4.1: 15 of 1,614,038 alleles (0.00093%); highest among the groups gnomAD compares: African/African-American, 0.0027%; no homozygotes.

Submission:

Labcorp Genetics (formerly Invitae), Labcorp
Classification: Uncertain significance for Nephronophthisis 9. Last evaluated: 2022-05-01. Review status: criteria provided, single submitter. Criteria: Invitae Variant Classification Sherloc (09022015). Collection method: clinical testing. Allele origin: germline.
Comment: This sequence change replaces arginine, which is basic and polar, with glutamine, which is neutral and polar, at codon 644 of the NEK8 protein (p.Arg644Gln). This variant is present in population databases (rs751627674, gnomAD 0.01%). This variant has not been reported in the literature in individuals affected with NEK8-related conditions. Algorithms developed to predict the effect of missense changes on protein structure and function (SIFT, PolyPhen-2, Align-GVGD) all suggest that this variant is likely to be disruptive. In summary, the available evidence is currently insufficient to determine the role of this variant in disease. Therefore, it has been classified as a Variant of Uncertain Significance.

NM_178170.3(NEK8):c.1931G>A (p.Arg644Gln)

Gene: NEK8 (NIMA related kinase 8; plus strand). Cytogenetic location: 17q11.2.
Variant type: single nucleotide variant.
Coding change: c.1931G>A on transcript NM_178170.3 (MANE Select); coding-DNA position 1931, G replaced by A.
Protein change: p.Arg644Gln; replaces arginine 644 with glutamine.
Molecular consequence: missense variant.
Genome position (GRCh38, 1-based): chr17:28,741,452, G>A. VCF-style: chr17-28741452-G-A. GRCh37 (hg19) VCF-style: chr17-27068470-G-A.
Other names: short protein forms R644Q.
Identifiers: ClinVar variation 2428477 (VCV002428477.6), dbSNP rs751627674, ClinGen allele CA8467595.